The following is an entry in ClinVar:

ClinVar aggregate classification (germline): Uncertain significance (1 of 4 stars; one submission).

Conditions:
Hereditary cancer-predisposing syndrome. Also called: Neoplastic Syndromes, Hereditary; Tumor predisposition; Hereditary neoplastic syndrome; Hereditary Cancer Syndrome. Identifiers: Orphanet 140162, MedGen C0027672, MeSH D009386, MONDO:0015356.

gnomAD v4.1: 1 of 1,605,262 alleles (0.000062%); highest among the groups gnomAD compares: Non-Finnish European, 0.000085%; no homozygotes.

Submission:

Ambry Genetics
Classification: Uncertain significance for Hereditary cancer-predisposing syndrome. Last evaluated: 2026-08-18. Review status: criteria provided, single submitter. Criteria: Ambry Variant Classification Scheme 2023. Collection method: clinical testing. Allele origin: germline.
Comment: The p.S119T variant (also known as c.355T>A), located in coding exon 4 of the FANCC gene, results from a T to A substitution at nucleotide position 355. The serine at codon 119 is replaced by threonine, an amino acid with similar properties. This amino acid position is conserved. In addition, this alteration is predicted to be tolerated by in silico analysis. Based on the available evidence, the clinical significance of this variant remains unclear.

NM_000136.3(FANCC):c.355T>A (p.Ser119Thr)

Gene: FANCC (FA complementation group C; minus strand). Cytogenetic location: 9q22.32.
Variant type: single nucleotide variant.
Coding change: c.355T>A on transcript NM_000136.3 (MANE Select); coding-DNA position 355, T replaced by A.
Protein change: p.Ser119Thr; replaces serine 119 with threonine.
Molecular consequence: missense variant.
Genome position (GRCh38, 1-based): chr9:95,172,138, A>T on the plus strand (T>A on the coding strand, the complement: FANCC is on the minus strand). VCF-style: chr9-95172138-A-T. GRCh37 (hg19) VCF-style: chr9-97934420-A-T.
Other names: c.355T>A, p.Ser119Thr (NM_001243743.2, NM_001243744.2); short protein forms S119T.
Identifiers: ClinVar variation 5036480 (VCV005036480.1).